The following is an entry in ClinVar:

NM_000478.6(ALPL):c.188_205dup (p.Thr68_Ala69insGlyValSerThrValThr)

Gene: ALPL (alkaline phosphatase, biomineralization associated; plus strand). Cytogenetic location: 1p36.12.
Variant type: Duplication.
Coding change: c.188_205dup on transcript NM_000478.6 (MANE Select); coding-DNA positions 188 to 205, 18 bases duplicated (GTGTCTCCACAGTGACGG).
Protein change: p.Thr68_Ala69insGlyValSerThrValThr.
Molecular consequence: inframe insertion. On other transcripts: intron variant (1).
Genome position (GRCh38, 1-based): chr1:21,561,103-21,561,120, GTGTCTCCACAGTGACGG duplicated; duplicating any 18 consecutive bases within chr1:21,561,101-21,561,120 gives the same sequence; the c. name uses the placement nearest the transcript's 3' end. VCF-style (leftmost placement, unchanged base first): chr1-21561100-T-TGGGTGTCTCCACAGTGAC. GRCh37 (hg19) VCF-style: chr1-21887593-T-TGGGTGTCTCCACAGTGAC.
Other names: c.23_40dup, p.Thr13_Ala14insGlyValSerThrValThr (NM_001127501.4); c.188_205dup, p.Thr68_Ala69insGlyValSerThrValThr (NM_001369803.2, NM_001369804.2, NM_001369805.2); c.66+358_66+375dup (NM_001177520.3).
Identifiers: ClinVar variation 4974800 (VCV004974800.1).
Genomic context (GRCh38, chr1:21,561,100, plus strand): 5'-CAGGCTGATTGGAGAGGCAGGAGCACGAGAGACTGAGGCCCCCACTCCCCACTGCAGGGA[T>TGGGTGTCTCCACAGTGAC]GGGTGTCTCCACAGTGACGGCTGCCCGCATCCTCAAGGGTCAGCTCCACCACAACCCTGG-3'

ClinVar aggregate classification (germline): Likely pathogenic (1 of 4 stars; one submission).

Conditions:
Hypophosphatasia. Also called: Phosphoethanol-aminuria. Identifiers: Orphanet 436, MedGen C0020630, MeSH D007014, MONDO:0018570.

Submission:

Genomenon, Inc
Classification: Likely pathogenic for Hypophosphatasia. Last evaluated: 2026-09-01. Review status: criteria provided, single submitter. Criteria: Genomenon Sequence Variant Interpretation Standards - Updated. Collection method: curation. Allele origin: germline. Affected: yes.
Comment: ALPL p.Gly63_Thr68dup (c.188_205dup) is an in-frame duplication variant that results in the duplication of multiple amino acids, from Glycine at codon 63 to Threonine at codon 68. This variant has been observed in at least one proband affected with an ALPL-related disorder (PMID:24123110). The variant was found to segregate with disease in at least one affected family (PMID:24123110). It is absent or not present at a significant frequency in gnomAD. In conclusion, we classify ALPL p.Gly63_Thr68dup (c.188_205dup) as a likely pathogenic variant.

Literature cited by the submitters: PubMed 24123110.